The following is an entry in ClinVar:

ClinVar aggregate classification (germline): Uncertain significance. Review status: criteria provided, multiple submitters, no conflicts (2 of 4 stars). 2 submissions from 2 submitters: Uncertain significance (2). Last evaluated 2025-08-25.

Conditions:
Cardiovascular phenotype. Identifiers: MedGen CN230736.

gnomAD v4.1: 12 of 1,614,122 alleles (0.00074%); highest among the groups gnomAD compares: East Asian, 0.0022%; no homozygotes.

Submissions (2):

Ambry Genetics
Classification: Uncertain significance for Cardiovascular phenotype. Last evaluated: 2025-08-25. Review status: criteria provided, single submitter. Criteria: Ambry Variant Classification Scheme 2023. Collection method: clinical testing. Allele origin: germline.
Comment: The p.R454C variant (also known as c.1360C>T), located in coding exon 11 of the MYH6 gene, results from a C to T substitution at nucleotide position 1360. The arginine at codon 454 is replaced by cysteine, an amino acid with highly dissimilar properties. This amino acid position is highly conserved in available vertebrate species. In addition, this alteration is predicted to be deleterious by in silico analysis. Based on the available evidence, the clinical significance of this variant remains unclear.

Blueprint Genetics
Classification: Uncertain significance. Last evaluated: 2024-06-12. Review status: criteria provided, single submitter. Criteria: ACMG Guidelines, 2015. Collection method: clinical testing. Allele origin: germline.

NM_002471.4(MYH6):c.1360C>T (p.Arg454Cys)

Gene: MYH6 (myosin heavy chain 6; minus strand). Cytogenetic location: 14q11.2.
Variant type: single nucleotide variant.
Coding change: c.1360C>T on transcript NM_002471.4 (MANE Select); coding-DNA position 1360, C replaced by T.
Protein change: p.Arg454Cys; replaces arginine 454 with cysteine.
Molecular consequence: missense variant.
Genome position (GRCh38, 1-based): chr14:23,400,759, G>A on the plus strand (C>T on the coding strand, the complement: MYH6 is on the minus strand). VCF-style: chr14-23400759-G-A. GRCh37 (hg19) VCF-style: chr14-23869968-G-A.
Other names: short protein forms R454C.
Identifiers: ClinVar variation 4114826 (VCV004114826.2).
Genomic context (GRCh38, chr14:23,400,759, plus strand): 5'-CCCAACTCACGTCGAAGATCTCGAAGCCAGCGATGTCCAGGACTCCTATGAAGTACTGGC[G>A]TGGCTGCTTGGTCTCCAGGGTGGCGTTGATGCGCGTCACCATCCAGTTGAACATCTTCTC-3'
Protein context (NP_002462.2, residues 444-464): INATLETKQP[Arg454Cys]QYFIGVLDIA